The following is an entry in ClinVar:

NM_001164508.2(NEB):c.24588C>G (p.Tyr8196Ter)

Genes: RIF1 (replication timing regulatory factor 1; plus strand), NEB (nebulin; minus strand). Cytogenetic location: 2q23.3.
Variant type: single nucleotide variant.
Coding change: c.24588C>G on transcript NM_001164508.2 (MANE Select); coding-DNA position 24588, C replaced by G.
Protein change: p.Tyr8196Ter; replaces tyrosine 8196 with a stop codon.
Molecular consequence: nonsense.
Genome position (GRCh38, 1-based): chr2:151,493,859, G>C on the plus strand (C>G on the coding strand, the complement: NEB is on the minus strand). VCF-style: chr2-151493859-G-C. GRCh37 (hg19) VCF-style: chr2-152350373-G-C.
Other names: c.24588C>G, p.Tyr8196Ter (NM_001164507.2); c.24693C>G, p.Tyr8231Ter (NM_001271208.2); c.19020C>G, p.Tyr6340Ter (NM_004543.5); short protein forms Y8231*, Y6340*, Y8196*.
Identifiers: ClinVar variation 432817 (VCV000432817.22), dbSNP rs754272530, ClinGen allele CA1905979.
Genomic context (GRCh38, chr2:151,493,859, plus strand): 5'-TTTCACTCTTTCCATCTCAGGAGTAAAGGGTGTGGGGGTTGCTTTCCCCAGGTTCTCTTT[G>C]TATAACACCTGTGAGATACAAAGTCATGCCCGAAAGTCACTACGAGGTAATAATCACTAT-3'

ClinVar aggregate classification (germline): Pathogenic. Review status: criteria provided, multiple submitters, no conflicts (2 of 4 stars). 8 submissions from 8 submitters: Pathogenic (6). 2 of the submissions do not count toward it. Last evaluated 2026-01-11.

Conditions:
Nemaline myopathy 2 (NEM2). Also called: Nemaline myopathy 2, autosomal recessive. Identifiers: MedGen C1850569, MONDO:0009725, OMIM 256030.
Arthrogryposis multiplex congenita 6. Identifiers: MedGen C5543431, MONDO:0030281, OMIM 619334.

Allele frequency attached by ClinVar (database versions not stated): gnomAD exomes 0.00002; ExAC 0.00003; gnomAD 0.00003.
gnomAD v4.1: 14 of 1,557,258 alleles (0.0009%); highest among the groups gnomAD compares: Admixed American, 0.002%; no homozygotes.

Submissions (8):

Labcorp Genetics (formerly Invitae), Labcorp
Classification: Pathogenic for Nemaline myopathy 2. Last evaluated: 2026-01-11. Review status: criteria provided, single submitter. Criteria: Invitae Variant Classification Sherloc (09022015). Collection method: clinical testing. Allele origin: germline.
Comment: This sequence change creates a premature translational stop signal (p.Tyr8231*) in the NEB gene. It is expected to result in an absent or disrupted protein product. Loss-of-function variants in NEB are known to be pathogenic (PMID: 25205138). This variant is present in population databases (rs754272530, gnomAD 0.006%). This premature translational stop signal has been observed in individual(s) with clinical features of nemaline myopathy (PMID: 29382405). This variant is also known as c.24588C>G (p.Tyr8196*). ClinVar contains an entry for this variant (Variation ID: 432817). Algorithms developed to predict the effect of sequence changes on RNA splicing suggest that this variant may disrupt the consensus splice site. For these reasons, this variant has been classified as Pathogenic.

First Genomix Gene Laboratory, Genetic Diagnostics Department
Classification: Pathogenic for Arthrogryposis multiplex congenita 6; Nemaline myopathy 2. Last evaluated: 2025-08-21. Review status: criteria provided, single submitter. Criteria: ACMG Guidelines, 2015. Collection method: clinical testing. Allele origin: germline. Inheritance: Autosomal recessive inheritance. Affected: no. Observed: 1 variant allele.

Natera, Inc.
Classification: Pathogenic for Nemaline myopathy type 2. Last evaluated: 2025-06-16. Review status: criteria provided, single submitter. Criteria: Natera Variant Classification Schema (03/2026). Collection method: clinical testing. Allele origin: germline.
Comment: The c.24693C>G variant in NEB is a nonsense variant predicted to introduce a stop codon at amino acid 8231. This variant is expected to result in nonsense mediated decay, truncation, or a dysfunctional protein product. This variant is rare in the general population with a frequency below the threshold expected for the associated phenotype(s). This variant has been observed in one or more individuals affected with the associated recessive disease, as either homozygous or compound heterozygous with a second variant (PMID: 29382405). Additionally, this variant has been observed to segregate in affected family members (PMID: 29382405). Given the available evidence, this variant is classified as Pathogenic.

GeneDx
Classification: Pathogenic. Last evaluated: 2024-09-13. Review status: criteria provided, single submitter. Criteria: GeneDx Variant Classification Process June 2021. Collection method: clinical testing. Allele origin: germline. Affected: yes.
Comment: Observed with a second pathogenic variant in two siblings affected with congenital myopathy in published literature, but it is not known whether the variants occurred on the same (in cis) or on different (in trans) chromosomes (PMID: 29382405); Nonsense variant predicted to result in protein truncation or nonsense mediated decay in a gene for which loss of function is a known mechanism of disease; Not observed at significant frequency in large population cohorts (gnomAD); This variant is associated with the following publications: (PMID: 34758253, 29382405)

Baylor Genetics
Classification: Pathogenic for Arthrogryposis multiplex congenita 6. Last evaluated: 2023-12-26. Review status: criteria provided, single submitter. Criteria: ACMG Guidelines, 2015. Collection method: clinical testing. Allele origin: unknown.

Broad Center for Mendelian Genomics, Broad Institute of MIT and Harvard
Classification: Pathogenic for Nemaline myopathy 2. Last evaluated: 2018-12-03. Review status: criteria provided, single submitter. Criteria: ACMG Guidelines, 2015. Collection method: research. Allele origin: germline. Inheritance: Autosomal recessive inheritance. Affected: yes.
Comment: The presence of this variant in combination with a likely pathogenic variant and in an individual with nemaline myopathy increases the likelihood that the p.Tyr8196Ter variant is pathogenic. This variant has been identified in 0.005516% (5/90638) of European (non-Finnish) chromosomes by the Genome Aggregation Database (gnomAD; dbSNP rs754272530). Although this variant has been seen in the general population, its frequency is low enough to be consistent with a recessive carrier frequency. This nonsense variant leads to a premature termination codon at position 8196, which is predicted to lead to a truncated or absent protein. Loss of function of the NEB gene is an established disease mechanism for autosomal recessive nemaline myopathy. In summary, this variant meets criteria to be classified as pathogenic for nemaline myopathy an autosomal recessive manner based on the predicted impact of the variant and occurrence with a likely pathogenic in an individual with nemaline myopathy. ACMG/AMP Criteria applied: PM2, PVS1, PM3_Supporting (Richards 2015).

Counsyl
Classification: Likely pathogenic for Nemaline myopathy 2. Last evaluated: 2017-11-09. Review status: no assertion criteria provided. Collection method: clinical testing. Allele origin: unknown. Not counted in ClinVar's aggregate classification.

Genomics England Pilot Project, Genomics England
Classification: Pathogenic for Nemaline myopathy 2. Review status: no assertion criteria provided. Criteria: ACGS Guidelines, 2016. Collection method: clinical testing. Allele origin: germline. Affected: yes. Not counted in ClinVar's aggregate classification.

Literature cited by the submitters: PubMed 25205138 (cited by Labcorp Genetics (formerly Invitae), Labcorp); PubMed 29382405 (cited by Labcorp Genetics (formerly Invitae), Labcorp and Natera, Inc.).